The following is an entry in ClinVar:

ClinVar aggregate classification (germline): Uncertain significance. Review status: criteria provided, multiple submitters, no conflicts (2 of 4 stars). 2 submissions from 2 submitters: Uncertain significance (2). Last evaluated 2023-07-17.

Allele frequency attached by ClinVar (database versions not stated): gnomAD 0.00001.
gnomAD v4.1: 1 of 1,614,034 alleles (0.000062%); highest among the groups gnomAD compares: African/African-American, 0.0013%; no homozygotes.

Submissions (2):

Labcorp Genetics (formerly Invitae), Labcorp
Classification: Uncertain significance. Last evaluated: 2023-07-17. Review status: criteria provided, single submitter. Criteria: Invitae Variant Classification Sherloc (09022015). Collection method: clinical testing. Allele origin: germline.
Comment: This sequence change replaces arginine, which is basic and polar, with glycine, which is neutral and non-polar, at codon 246 of the CAD protein (p.Arg246Gly). This variant is not present in population databases (gnomAD no frequency). In summary, the available evidence is currently insufficient to determine the role of this variant in disease. Therefore, it has been classified as a Variant of Uncertain Significance. An algorithm developed to predict the effect of missense changes on protein structure and function (PolyPhen-2) suggests that this variant is likely to be tolerated. ClinVar contains an entry for this variant (Variation ID: 1367339). This variant has not been reported in the literature in individuals affected with CAD-related conditions.

Women's Health and Genetics/Laboratory Corporation of America, LabCorp
Classification: Uncertain significance. Last evaluated: 2022-05-17. Review status: criteria provided, single submitter. Criteria: LabCorp Variant Classification Summary - May 2015. Collection method: clinical testing. Allele origin: germline.
Comment: Variant summary: CAD c.736C>G (p.Arg246Gly) results in a non-conservative amino acid change in the encoded protein sequence. Four of five in-silico tools predict a damaging effect of the variant on protein function. The variant was absent in 251492 control chromosomes (gnomAD). The available data on variant occurrences in the general population are insufficient to allow any conclusion about variant significance. To our knowledge, no occurrence of c.736C>G in individuals affected with Early Infantile Epileptic Encephalopathy, 50 and no experimental evidence demonstrating its impact on protein function have been reported. One ClinVar submitter (evaluation after 2014) cites the variant as uncertain significance. Based on the evidence outlined above, the variant was classified as uncertain significance.

NM_004341.5(CAD):c.736C>G (p.Arg246Gly)

Gene: CAD (carbamoyl-phosphate synthetase 2, aspartate transcarbamylase, and dihydroorotase; plus strand). Cytogenetic location: 2p23.3.
Variant type: single nucleotide variant.
Coding change: c.736C>G on transcript NM_004341.5 (MANE Select); coding-DNA position 736, C replaced by G.
Protein change: p.Arg246Gly; replaces arginine 246 with glycine.
Molecular consequence: missense variant.
Genome position (GRCh38, 1-based): chr2:27,222,964, C>G. VCF-style: chr2-27222964-C-G. GRCh37 (hg19) VCF-style: chr2-27445832-C-G.
Other names: c.736C>G, p.Arg246Gly (NM_001306079.2); short protein forms R246G.
Identifiers: ClinVar variation 1367339 (VCV001367339.7), dbSNP rs772034961, ClinGen allele CA346200796.
Genomic context (GRCh38, chr2:27,222,964, plus strand): 5'-CCTGCCTCCTATCCCAGTGTCGTATCCACACTGAGCCGTGTTTTATCTGAGCCTAATCCC[C>G]GACCTGTCTTTGGGATCTGCCTGGGACACCAGCTATTGGCCTTAGCCATTGGGGCCAAGA-3'
Protein context (NP_004332.2, residues 236-256): LSRVLSEPNP[Arg246Gly]PVFGICLGHQ